The following is an entry in ClinVar:

ClinVar aggregate classification (germline): Uncertain significance (1 of 4 stars; one submission).

Conditions:
Amyotrophic lateral sclerosis type 15. Also called: AMYOTROPHIC LATERAL SCLEROSIS 15 WITH FRONTOTEMPORAL DEMENTIA. Identifiers: Orphanet 803, MedGen C3275459, MONDO:0010459, OMIM 300857.

Submission:

Labcorp Genetics (formerly Invitae), Labcorp
Classification: Uncertain significance for Amyotrophic lateral sclerosis type 15. Last evaluated: 2024-11-11. Review status: criteria provided, single submitter. Criteria: Invitae Variant Classification Sherloc (09022015). Collection method: clinical testing. Allele origin: germline.
Comment: This sequence change affects codon 146 of the UBQLN2 mRNA. It is a 'silent' change, meaning that it does not change the encoded amino acid sequence of the UBQLN2 protein. This variant is not present in population databases (gnomAD no frequency). This variant has not been reported in the literature in individuals affected with UBQLN2-related conditions. Experimental studies and prediction algorithms are not available or were not evaluated, and the effect of this variant on mRNA splicing is currently unknown. In summary, the available evidence is currently insufficient to determine the role of this variant in disease. Therefore, it has been classified as a Variant of Uncertain Significance.

NM_013444.4(UBQLN2):c.438G>A (p.Gly146=)

Gene: UBQLN2 (ubiquilin 2; plus strand). Cytogenetic location: Xp11.21.
Variant type: single nucleotide variant.
Coding change: c.438G>A on transcript NM_013444.4 (MANE Select); coding-DNA position 438, G replaced by A.
Protein change: p.Gly146=; no amino-acid change (glycine 146 retained).
Molecular consequence: synonymous variant.
Genome position (GRCh38, 1-based): chrX:56,564,311, G>A. VCF-style: chrX-56564311-G-A. GRCh37 (hg19) VCF-style: chrX-56590744-G-A.
Identifiers: ClinVar variation 3675572 (VCV003675572.2).